The following is an entry in ClinVar:

ClinVar aggregate classification (germline): Uncertain significance (1 of 4 stars; one submission).

Conditions:
MAP3K7-related disorder.

Submission:

PreventionGenetics, part of Exact Sciences
Classification: Uncertain significance for MAP3K7-related condition. Last evaluated: 2025-03-19. Review status: criteria provided, single submitter. Criteria: ACMG Guidelines, 2015. Collection method: clinical testing. Allele origin: germline.
Comment: The MAP3K7 c.722G>C variant is predicted to result in the amino acid substitution p.Trp241Ser. To our knowledge, this variant has not been reported in the literature or in a large population database (gnomAD), indicating this variant is rare. Alternate missense changes at the same amino acid position (p.Trp241Gly and p.Trp241Arg) have been reported in individuals affected with MAP3K7-related disorders (Le Goff et al. 2016. PubMed ID: 27426734; van Woerden et al. 2022. PubMed ID: 35730652). Although we suspect that this variant may be pathogenic, at this time, the clinical significance of this variant is uncertain due to the absence of conclusive functional and genetic evidence.

NM_145331.3(MAP3K7):c.722G>C (p.Trp241Ser)

Gene: MAP3K7 (mitogen-activated protein kinase kinase kinase 7; minus strand). Cytogenetic location: 6q15.
Variant type: single nucleotide variant.
Coding change: c.722G>C on transcript NM_145331.3 (MANE Select); coding-DNA position 722, G replaced by C.
Protein change: p.Trp241Ser; replaces tryptophan 241 with serine.
Molecular consequence: missense variant.
Genome position (GRCh38, 1-based): chr6:90,553,472, C>G on the plus strand (G>C on the coding strand, the complement: MAP3K7 is on the minus strand). VCF-style: chr6-90553472-C-G. GRCh37 (hg19) VCF-style: chr6-91263191-C-G.
Other names: c.722G>C, p.Trp241Ser (NM_003188.4, NM_145332.3, NM_145333.3); short protein forms W241S.
Identifiers: ClinVar variation 4998756 (VCV004998756.1).
Genomic context (GRCh38, chr6:90,553,472, plus strand): 5'-TAGAAAACACAAAAAGTACTTTTAAGAAAAATTTCTTTTTACGAACCATTATGAACAGCC[C>G]ACATGATTCGGAAAGCTGGGCCACCAATCTCATCAAAGGGTTTCCGACGCGTTATCACTT-3'
Protein context (NP_663304.1, residues 231-251): EIGGPAFRIM[Trp241Ser]AVHNGTRPPL